The following is an entry in ClinVar:

ClinVar aggregate classification (germline): Likely pathogenic (1 of 4 stars; one submission).

Submission:

GeneDx
Classification: Likely pathogenic. Last evaluated: 2025-05-12. Review status: criteria provided, single submitter. Criteria: GeneDx Variant Classification Process June 2021. Collection method: clinical testing. Allele origin: germline. Affected: yes.
Comment: Frameshift variant predicted to result in protein truncation or nonsense mediated decay in a gene for which loss of function is a known mechanism of disease; Not observed at significant frequency in large population cohorts (gnomAD); Has not been previously published as pathogenic or benign to our knowledge

NM_015047.3(EMC1):c.962del (p.Leu321fs)

Genes: EMC1 (ER membrane protein complex subunit 1; minus strand), EMC1-AS1 (EMC1 antisense RNA 1; plus strand). Cytogenetic location: 1p36.13.
Variant type: Deletion.
Coding change: c.962del on transcript NM_015047.3 (MANE Select); coding-DNA position 962, one base deleted (T; older notation c.962delT).
Protein change: p.Leu321fs; shifts the reading frame from leucine 321.
Molecular consequence: frameshift variant.
Genome position (GRCh38, 1-based): chr1:19,239,295, A deleted on the plus strand (T on the coding strand, the reverse complement: EMC1 is on the minus strand). VCF-style (leftmost placement, unchanged base first): chr1-19239294-TA-T. GRCh37 (hg19) VCF-style: chr1-19565788-TA-T.
Other names: c.896del, p.Leu299fs (NM_001271429.2); c.962del, p.Leu321fs (NM_001375820.1, NM_001375821.1, NM_001271427.2 and 1 more transcripts); short protein forms L299fs, L321fs.
Identifiers: ClinVar variation 4529745 (VCV004529745.1).